The following is an entry in ClinVar:

ClinVar aggregate classification (germline): Likely benign. Review status: criteria provided, multiple submitters, no conflicts (2 of 4 stars). 4 submissions from 4 submitters: Likely benign (4). Last evaluated 2025-12-13.

Conditions:
DNM1L-related disorder. Also called: DNM1L-related condition.
Hereditary ataxia. Also called: Hereditary Ataxias. Identifiers: Orphanet 183518, MedGen C0004138, MONDO:0100309, MONDO:0000557.

Allele frequency attached by ClinVar (database versions not stated): gnomAD 0.00005; ExAC 0.00006; gnomAD exomes 0.00006 and 0.00010; TOPMed 0.00008; 1000 Genomes Project 0.00020; 1000 Genomes Project 30x 0.00031.
gnomAD v4.1: 147 of 1,613,832 alleles (0.0091%); highest among the groups gnomAD compares: Non-Finnish European, 0.011%; no homozygotes.

Submissions (4):

Labcorp Genetics (formerly Invitae), Labcorp
Classification: Likely benign. Last evaluated: 2025-12-13. Review status: criteria provided, single submitter. Criteria: Invitae Variant Classification Sherloc (09022015). Collection method: clinical testing. Allele origin: germline.

PreventionGenetics, part of Exact Sciences
Classification: Likely benign for DNM1L-related condition. Last evaluated: 2025-10-06. Review status: criteria provided, single submitter. Criteria: ACMG Guidelines, 2015. Collection method: clinical testing. Allele origin: germline.
Comment: This variant is classified as likely benign based on ACMG/AMP sequence variant interpretation guidelines (Richards et al. 2015 PMID: 25741868, with internal and published modifications).

Blueprint Genetics
Classification: Likely benign. Last evaluated: 2024-08-20. Review status: criteria provided, single submitter. Criteria: ACMG Guidelines, 2015. Collection method: clinical testing. Allele origin: germline.

Cambridge Genomics Laboratory, East Genomic Laboratory Hub, NHS Genomic Medicine Service
Classification: Likely benign for Hereditary ataxia. Last evaluated: 2020-03-04. Review status: criteria provided, single submitter. Criteria: ACGS Best Practice Guidelines for Variant Classification in Rare Disease 2020. Collection method: clinical testing. Allele origin: germline. Affected: yes. Observed: 1 variant allele.

NM_012062.5(DNM1L):c.2157A>G (p.Ala719=)

Gene: DNM1L (dynamin 1L; plus strand). Cytogenetic location: 12p11.21.
Variant type: single nucleotide variant.
Coding change: c.2157A>G on transcript NM_012062.5 (MANE Select); coding-DNA position 2157, A replaced by G.
Protein change: p.Ala719=; no amino-acid change (alanine 719 retained).
Molecular consequence: synonymous variant.
Genome position (GRCh38, 1-based): chr12:32,743,356, A>G. VCF-style: chr12-32743356-A-G. GRCh37 (hg19) VCF-style: chr12-32896290-A-G.
Other names: c.2124A>G, p.Ala708= (NM_001278463.2); c.2196A>G, p.Ala732= (NM_001278464.2); c.2163A>G, p.Ala721= (NM_001278465.2); c.1548A>G, p.Ala516= (NM_001278466.2); c.2085A>G, p.Ala695= (NM_001330380.2); c.2046A>G, p.Ala682= (NM_005690.5); c.2079A>G, p.Ala693= (NM_012063.4).
Identifiers: ClinVar variation 1609791 (VCV001609791.11), dbSNP rs555040961, ClinGen allele CA6507799.